The following is an entry in ClinVar:

NM_006734.4(HIVEP2):c.1693T>A (p.Ser565Thr)

Gene: HIVEP2 (HIVEP zinc finger 2; minus strand). Cytogenetic location: 6q24.2.
Variant type: single nucleotide variant.
Coding change: c.1693T>A on transcript NM_006734.4 (MANE Select); coding-DNA position 1693, T replaced by A.
Protein change: p.Ser565Thr; replaces serine 565 with threonine.
Molecular consequence: missense variant.
Genome position (GRCh38, 1-based): chr6:142,773,046, A>T on the plus strand (T>A on the coding strand, the complement: HIVEP2 is on the minus strand). VCF-style: chr6-142773046-A-T. GRCh37 (hg19) VCF-style: chr6-143094183-A-T.
Other names: c.1693T>A, p.Ser565Thr (NM_001438449.1, NM_001438450.1, NM_001438451.1); short protein forms S565T.
Identifiers: ClinVar variation 4881179 (VCV004881179.2).

ClinVar aggregate classification (germline): Uncertain significance (1 of 4 stars; one submission).

Submission:

Dasa
Classification: Uncertain significance. Last evaluated: 2025-01-20. Review status: criteria provided, single submitter. Criteria: DASA Assertion Criteria. Collection method: clinical testing. Allele origin: germline.
Comment: NM_006734.4(HIVEP2):c.1693T>A (p.Ser565Thr) is a missense variant that results in the substitution of serine with threonine. This variant is absent from population databases. Computational prediction algorithms are consistent with a benign effect. The currently available literature and clinical evidence are not sufficient to establish a definitive association between this variant and the reported condition. Therefore, this variant is classified as a variant of uncertain significance.